The following is an entry in ClinVar:

NM_001101362.3(KBTBD13):c.229G>C (p.Glu77Gln)

Gene: KBTBD13 (kelch repeat and BTB domain containing 13; plus strand). Cytogenetic location: 15q22.31.
Variant type: single nucleotide variant.
Coding change: c.229G>C on transcript NM_001101362.3 (MANE Select); coding-DNA position 229, G replaced by C.
Protein change: p.Glu77Gln; replaces glutamic acid 77 with glutamine.
Molecular consequence: missense variant.
Genome position (GRCh38, 1-based): chr15:65,077,044, G>C. VCF-style: chr15-65077044-G-C. GRCh37 (hg19) VCF-style: chr15-65369382-G-C.
Other names: short protein forms E77Q.
Identifiers: ClinVar variation 1937343 (VCV001937343.4), dbSNP rs750779317, ClinGen allele CA392858937.

ClinVar aggregate classification (germline): Uncertain significance (1 of 4 stars; one submission).

Conditions:
Nemaline myopathy 6 (NEM6). Also called: Nemaline myopathy 6, autosomal dominant. Identifiers: Orphanet 171439, MedGen C1836472, MONDO:0012237, OMIM 609273.

Allele frequency attached by ClinVar (database versions not stated): gnomAD 0.00001.

Submission:

Labcorp Genetics (formerly Invitae), Labcorp
Classification: Uncertain significance for Nemaline myopathy 6. Last evaluated: 2025-04-17. Review status: criteria provided, single submitter. Criteria: Invitae Variant Classification Sherloc (09022015). Collection method: clinical testing. Allele origin: germline.
Comment: This sequence change replaces glutamic acid, which is acidic and polar, with glutamine, which is neutral and polar, at codon 77 of the KBTBD13 protein (p.Glu77Gln). This variant is present in population databases (no rsID available, gnomAD 0.04%). This variant has not been reported in the literature in individuals affected with KBTBD13-related conditions. ClinVar contains an entry for this variant (Variation ID: 1937343). Invitae Evidence Modeling of protein sequence and biophysical properties (such as structural, functional, and spatial information, amino acid conservation, physicochemical variation, residue mobility, and thermodynamic stability) indicates that this missense variant is not expected to disrupt KBTBD13 protein function with a negative predictive value of 80%. In summary, the available evidence is currently insufficient to determine the role of this variant in disease. Therefore, it has been classified as a Variant of Uncertain Significance.